The following is an entry in ClinVar:

NM_000346.4(SOX9):c.344G>A (p.Trp115Ter)

Genes: SOX9 (SRY-box transcription factor 9; plus strand), LOC108021846 (SOX9 promoter region; plus strand). Cytogenetic location: 17q24.3.
Variant type: single nucleotide variant.
Coding change: c.344G>A on transcript NM_000346.4 (MANE Select); coding-DNA position 344, G replaced by A.
Protein change: p.Trp115Ter; replaces tryptophan 115 with a stop codon.
Molecular consequence: nonsense.
Genome position (GRCh38, 1-based): chr17:72,121,735, G>A. VCF-style: chr17-72121735-G-A. GRCh37 (hg19) VCF-style: chr17-70117876-G-A.
Other names: short protein forms W115*.
Identifiers: ClinVar variation 618381 (VCV000618381.8), dbSNP rs1567910274, ClinGen allele CA400866062.

ClinVar aggregate classification (germline): Pathogenic (1 of 4 stars; one submission).

Submission:

ARUP Laboratories, Molecular Genetics and Genomics, ARUP Laboratories
Classification: Pathogenic. Last evaluated: 2018-04-26. Review status: criteria provided, single submitter. Criteria: ARUP Molecular Germline Variant Investigation Process. Collection method: clinical testing. Allele origin: germline.
Comment: The p.Trp115Ter variant has not been reported in the medical literature, gene specific variation databases, nor has it been previously identified by our laboratory. It is absent from general population databases such as 1000 Genomes, NHLBI GO Exome Sequencing Project (ESP), and the Genome Aggregation Database (gnomAD). This variant induces an early termination codon and is predicted to result in a truncated protein or mRNA subject to nonsense-mediated decay. Nonsense variants in SOX9 are a common mechanism of disease. Based on the given evidence the p.Trp115Ter variant is considered to be pathogenic.